The following is an entry in ClinVar:

ClinVar aggregate classification (germline): Likely pathogenic. Review status: criteria provided, multiple submitters, no conflicts (2 of 4 stars). 2 submissions from 2 submitters: Likely pathogenic (2). Last evaluated 2023-09-01.

Conditions:
FRAS1-related disorder. Also called: FRAS1-related condition.

Allele frequency attached by ClinVar (database versions not stated): gnomAD exomes below 0.00001; gnomAD 0.00001; TOPMed 0.00001.
gnomAD v4.1: 2 of 1,555,330 alleles (0.00013%); highest among the groups gnomAD compares: Non-Finnish European, 0.00017%; no homozygotes.

Submissions (2):

Blueprint Genetics
Classification: Likely pathogenic for FRAS1-related disorders. Last evaluated: 2023-09-01. Review status: criteria provided, single submitter. Criteria: ACMG Guidelines, 2015. Collection method: clinical testing. Allele origin: germline. Affected: yes. Observed: 1 variant allele.

Labcorp Genetics (formerly Invitae), Labcorp
Classification: Likely pathogenic. Last evaluated: 2023-03-22. Review status: criteria provided, single submitter. Criteria: Invitae Variant Classification Sherloc (09022015). Collection method: clinical testing. Allele origin: germline.
Comment: This variant has not been reported in the literature in individuals affected with FRAS1-related conditions. This sequence change affects a donor splice site in intron 54 of the FRAS1 gene. It is expected to disrupt RNA splicing. Variants that disrupt the donor or acceptor splice site typically lead to a loss of protein function (PMID: 16199547), and loss-of-function variants in FRAS1 are known to be pathogenic (PMID: 12766769, 18671281). This variant is not present in population databases (gnomAD no frequency). Algorithms developed to predict the effect of sequence changes on RNA splicing suggest that this variant may disrupt the consensus splice site. In summary, the currently available evidence indicates that the variant is pathogenic, but additional data are needed to prove that conclusively. Therefore, this variant has been classified as Likely Pathogenic.

Literature cited by the submitters: PubMed 16199547 (cited by Labcorp Genetics (formerly Invitae), Labcorp); PubMed 12766769 (cited by Labcorp Genetics (formerly Invitae), Labcorp); PubMed 18671281 (cited by Labcorp Genetics (formerly Invitae), Labcorp).

NM_025074.7(FRAS1):c.7851+1G>A

Gene: FRAS1 (Fraser extracellular matrix complex subunit 1; plus strand). Cytogenetic location: 4q21.21.
Variant type: single nucleotide variant.
Coding change: c.7851+1G>A on transcript NM_025074.7 (MANE Select); the canonical splice donor site of the intron after coding-DNA position 7851, G replaced by A.
Molecular consequence: splice donor variant.
Genome position (GRCh38, 1-based): chr4:78,475,607, G>A. VCF-style: chr4-78475607-G-A. GRCh37 (hg19) VCF-style: chr4-79396761-G-A.
Identifiers: ClinVar variation 2806630 (VCV002806630.4), dbSNP rs922875803, ClinGen allele CA99950950.